The following is an entry in ClinVar:

ClinVar aggregate classification (germline): Uncertain significance (1 of 4 stars; one submission).

Submission:

Ambry Genetics
Classification: Uncertain significance. Last evaluated: 2025-06-12. Review status: criteria provided, single submitter. Criteria: Ambry Variant Classification Scheme 2023. Collection method: clinical testing. Allele origin: germline.
Comment: The p.A408V variant (also known as c.1223C>T), located in coding exon 2 of the CDK12 gene, results from a C to T substitution at nucleotide position 1223. The alanine at codon 408 is replaced by valine, an amino acid with similar properties. This amino acid position is conserved. In addition, this alteration is predicted to be tolerated by in silico analysis. Based on the available evidence, the clinical significance of this variant remains unclear.

NM_016507.4(CDK12):c.1223C>T (p.Ala408Val)

Gene: CDK12 (cyclin dependent kinase 12; plus strand). Cytogenetic location: 17q12.
Variant type: single nucleotide variant.
Coding change: c.1223C>T on transcript NM_016507.4 (MANE Select); coding-DNA position 1223, C replaced by T.
Protein change: p.Ala408Val; replaces alanine 408 with valine.
Molecular consequence: missense variant.
Genome position (GRCh38, 1-based): chr17:39,471,055, C>T. VCF-style: chr17-39471055-C-T. GRCh37 (hg19) VCF-style: chr17-37627308-C-T.
Other names: c.1223C>T, p.Ala408Val (NM_015083.4); short protein forms A408V.
Identifiers: ClinVar variation 3999553 (VCV003999553.1).